The following is an entry in ClinVar:

ClinVar aggregate classification (germline): Uncertain significance (1 of 4 stars; one submission).

Submission:

Labcorp Genetics (formerly Invitae), Labcorp
Classification: Uncertain significance. Last evaluated: 2024-10-24. Review status: criteria provided, single submitter. Criteria: Invitae Variant Classification Sherloc (09022015). Collection method: clinical testing. Allele origin: germline.
Comment: This sequence change replaces tryptophan, which is neutral and slightly polar, with arginine, which is basic and polar, at codon 1600 of the ALPK3 protein (p.Trp1600Arg). This variant is not present in population databases (gnomAD no frequency). This variant has not been reported in the literature in individuals affected with ALPK3-related conditions. Invitae Evidence Modeling of protein sequence and biophysical properties (such as structural, functional, and spatial information, amino acid conservation, physicochemical variation, residue mobility, and thermodynamic stability) indicates that this missense variant is expected to disrupt ALPK3 protein function with a positive predictive value of 80%. In summary, the available evidence is currently insufficient to determine the role of this variant in disease. Therefore, it has been classified as a Variant of Uncertain Significance.

NM_020778.5(ALPK3):c.4192T>C (p.Trp1398Arg)

Gene: ALPK3 (alpha kinase 3; plus strand). Cytogenetic location: 15q25.3.
Variant type: single nucleotide variant.
Coding change: c.4192T>C on transcript NM_020778.5 (MANE Select); coding-DNA position 4192, T replaced by C.
Protein change: p.Trp1398Arg; replaces tryptophan 1398 with arginine.
Molecular consequence: missense variant.
Genome position (GRCh38, 1-based): chr15:84,862,697, T>C. VCF-style: chr15-84862697-T-C. GRCh37 (hg19) VCF-style: chr15-85405928-T-C.
Other names: short protein forms W1398R.
Identifiers: ClinVar variation 3665060 (VCV003665060.2).